The following is an entry in ClinVar:

NM_003036.4(SKI):c.969+18166C>T

Gene: SKI (SKI proto-oncogene; plus strand). Cytogenetic location: 1p36.33.
Variant type: single nucleotide variant.
Coding change: c.969+18166C>T on transcript NM_003036.4 (MANE Select); 18166 bases into the intron after coding-DNA position 969, C replaced by T.
Molecular consequence: intron variant.
Genome position (GRCh38, 1-based): chr1:2,247,901, C>T. VCF-style: chr1-2247901-C-T. GRCh37 (hg19) VCF-style: chr1-2179340-C-T.
Identifiers: ClinVar variation 3895389 (VCV003895389.1), dbSNP rs531011793.

ClinVar aggregate classification (germline): Likely benign (1 of 4 stars; one submission).

Submission:

Molecular Diagnostic Laboratory for Inherited Cardiovascular Disease, Montreal Heart Institute
Classification: Likely benign. Last evaluated: 2025-04-09. Review status: criteria provided, single submitter. Criteria: ACMG Guidelines, 2015. Collection method: clinical testing. Allele origin: germline. Affected: no.
Comment: BS1